The following is an entry in ClinVar:

NM_014956.5(CEP164):c.726C>T (p.His242=)

Gene: CEP164 (centrosomal protein 164; plus strand). Cytogenetic location: 11q23.3.
Variant type: single nucleotide variant.
Coding change: c.726C>T on transcript NM_014956.5 (MANE Select); coding-DNA position 726, C replaced by T.
Protein change: p.His242=; no amino-acid change (histidine 242 retained).
Molecular consequence: synonymous variant.
Genome position (GRCh38, 1-based): chr11:117,363,467, C>T. VCF-style: chr11-117363467-C-T. GRCh37 (hg19) VCF-style: chr11-117234183-C-T.
Other names: c.726C>T, p.His242= (NM_001271933.2); c.726C>T (NM_014956.4).
Identifiers: ClinVar variation 1164391 (VCV001164391.11), dbSNP rs549905287, ClinGen allele CA6294571.
Genomic context (GRCh38, chr11:117,363,467, plus strand): 5'-TTGTCATCATTTTTGTTTCTAGAGTGTCCACAGCTCAAGTGAGCCTCTTAGGAACCTACA[C>T]CTGGACATTGGGGCACTGGGGGGTGACTTTGAGTATGAGGTAAGAGCCCTAATCCCTACA-3'
Protein context (NP_055771.4, residues 232-252): HSSSEPLRNL[His242=]LDIGALGGDF

ClinVar aggregate classification (germline): Benign/Likely benign. Review status: criteria provided, multiple submitters, no conflicts (2 of 4 stars). 3 submissions from 3 submitters: Benign (1); Likely benign (2). Last evaluated 2025-11-26.

Conditions:
Nephronophthisis 15 (NPHP15). Identifiers: Orphanet 3156, MedGen C3541853, MONDO:0013917, OMIM 614845.
CEP164-related disorder. Also called: CEP164-related condition.

Allele frequency attached by ClinVar (database versions not stated): gnomAD 0.00004; 1000 Genomes Project 0.00020; 1000 Genomes Project 30x 0.00031; gnomAD exomes 0.00036; ExAC 0.00037.
gnomAD v4.1: 220 of 1,614,072 alleles (0.014%); highest among the groups gnomAD compares: South Asian, 0.23%; 6 homozygotes.

Submissions (3):

PreventionGenetics, part of Exact Sciences
Classification: Likely benign for CEP164-related condition. Last evaluated: 2025-11-26. Review status: criteria provided, single submitter. Criteria: ACMG Guidelines, 2015. Collection method: clinical testing. Allele origin: germline.
Comment: This variant is classified as likely benign based on ACMG/AMP sequence variant interpretation guidelines (Richards et al. 2015 PMID: 25741868, with internal and published modifications).

Blueprint Genetics
Classification: Likely benign. Last evaluated: 2024-06-17. Review status: criteria provided, single submitter. Criteria: ACMG Guidelines, 2015. Collection method: clinical testing. Allele origin: germline.

Labcorp Genetics (formerly Invitae), Labcorp
Classification: Benign for Nephronophthisis 15. Last evaluated: 2024-04-02. Review status: criteria provided, single submitter. Criteria: Invitae Variant Classification Sherloc (09022015). Collection method: clinical testing. Allele origin: germline.